The following is an entry in ClinVar:

NM_001330.5(CTF1):c.350G>A (p.Arg117His)

Genes: CTF1 (cardiotrophin 1; plus strand), LOC130058878 (ATAC-STARR-seq lymphoblastoid silent region 7400; plus strand). Cytogenetic location: 16p11.2.
Variant type: single nucleotide variant.
Coding change: c.350G>A on transcript NM_001330.5 (MANE Select); coding-DNA position 350, G replaced by A.
Protein change: p.Arg117His; replaces arginine 117 with histidine.
Molecular consequence: missense variant. On other transcripts: non-coding transcript variant (1).
Genome position (GRCh38, 1-based): chr16:30,902,283, G>A. VCF-style: chr16-30902283-G-A. GRCh37 (hg19) VCF-style: chr16-30913604-G-A.
Other names: c.347G>A, p.Arg116His (NM_001142544.3); short protein forms R116H, R117H.
Identifiers: ClinVar variation 1019100 (VCV001019100.9), dbSNP rs1332064376, ClinGen allele CA395618928.

ClinVar aggregate classification (germline): Uncertain significance (1 of 4 stars; one submission).

Allele frequency attached by ClinVar (database versions not stated): TOPMed 0.00002; gnomAD exomes 0.00001; gnomAD 0.00001.

Submission:

Labcorp Genetics (formerly Invitae), Labcorp
Classification: Uncertain significance. Last evaluated: 2020-02-05. Review status: criteria provided, single submitter. Criteria: Invitae Variant Classification Sherloc (09022015). Collection method: clinical testing. Allele origin: germline.
Comment: In summary, the available evidence is currently insufficient to determine the role of this variant in disease. Therefore, it has been classified as a Variant of Uncertain Significance. Algorithms developed to predict the effect of missense changes on protein structure and function (SIFT, PolyPhen-2, Align-GVGD) all suggest that this variant is likely to be disruptive, but these predictions have not been confirmed by published functional studies and their clinical significance is uncertain. This variant has not been reported in the literature in individuals with CTF1-related conditions. The frequency data for this variant in the population databases is considered unreliable, as metrics indicate insufficient coverage at this position in the ExAC database. This sequence change replaces arginine with histidine at codon 117 of the CTF1 protein (p.Arg117His). The arginine residue is highly conserved and there is a small physicochemical difference between arginine and histidine.